The following is an entry in ClinVar:

ClinVar aggregate classification (germline): Likely pathogenic (1 of 4 stars; one submission).

Conditions:
Fanconi anemia complementation group G. Also called: FANCG-Related Fanconi Anemia; Fanconi anemia group G. Identifiers: Orphanet 84, MedGen C3469527, MONDO:0013565, OMIM 614082.

Submission:

Neuberg Centre For Genomic Medicine, NCGM
Classification: Likely pathogenic for Fanconi anemia complementation group G. Review status: criteria provided, single submitter. Criteria: ACMG Guidelines, 2015. Collection method: clinical testing. Allele origin: germline. Inheritance: Autosomal recessive inheritance. Affected: yes.
Comment: The frameshift variant c.722_734del (p.Pro241ArgfsTer29) in FANCG gene has not been reported previously as a pathogenic variant nor as a benign variant, to our knowledge. The p.Pro241ArgfsTer29 variant is novel (not in any individuals) in gnomAD exomes and is novel (not in any individuals) in 1000 Genomes. This variant has not been reported to the ClinVar database. This variant is predicted to cause loss of normal protein function through protein truncation. Loss of function variants have been previously reported to be disease causing. For these reasons, this variant has been classified as Likely Pathogenic.

NM_004629.2(FANCG):c.722_734del (p.Pro241fs)

Gene: FANCG (FA complementation group G; minus strand). Cytogenetic location: 9p13.3.
Variant type: Deletion.
Coding change: c.722_734del on transcript NM_004629.2 (MANE Select); coding-DNA positions 722 to 734, 13 bases deleted (CACGGCCTGTGTT).
Protein change: p.Pro241fs; shifts the reading frame from proline 241.
Molecular consequence: frameshift variant.
Genome position (GRCh38, 1-based): chr9:35,077,014-35,077,026, AACACAGGCCGTG deleted on the plus strand (CACGGCCTGTGTT on the coding strand, the reverse complement: FANCG is on the minus strand). VCF-style (leftmost placement, unchanged base first): chr9-35077013-CAACACAGGCCGTG-C. GRCh37 (hg19) VCF-style: chr9-35077010-CAACACAGGCCGTG-C.
Other names: short protein forms P241fs.
Identifiers: ClinVar variation 2584908 (VCV002584908.1), dbSNP rs2490403470, ClinGen allele CA2582341991.
Genomic context (GRCh38, chr9:35,077,013, plus strand): 5'-CCCTAGGACTGTCTTTACCATCTTACGGTGACAGGACCCCAGTGCTGTGTACACCTGGAC[CAACACAGGCCGTG>C]GACACAGGCCTGAGGCCGCTTCATGAAGGCTGCTTAGTGCCTTGTCTGGGTTCCCTGTGA-3'